The following is an entry in ClinVar:

ClinVar aggregate classification (germline): Uncertain significance (1 of 4 stars; one submission).

gnomAD v4.1: 1 of 1,598,348 alleles (0.000063%); highest among the groups gnomAD compares: Non-Finnish European, 0.000085%; no homozygotes.

Submission:

Labcorp Genetics (formerly Invitae), Labcorp
Classification: Uncertain significance. Last evaluated: 2025-08-30. Review status: criteria provided, single submitter. Criteria: Invitae Variant Classification Sherloc (09022015). Collection method: clinical testing. Allele origin: germline.
Comment: This sequence change replaces methionine, which is neutral and non-polar, with threonine, which is neutral and polar, at codon 225 of the DNA2 protein (p.Met225Thr). This variant is not present in population databases (gnomAD no frequency). This variant has not been reported in the literature in individuals affected with DNA2-related conditions. Invitae Evidence Modeling of protein sequence and biophysical properties (such as structural, functional, and spatial information, amino acid conservation, physicochemical variation, residue mobility, and thermodynamic stability) indicates that this missense variant is not expected to disrupt DNA2 protein function with a negative predictive value of 80%. In summary, the available evidence is currently insufficient to determine the role of this variant in disease. Therefore, it has been classified as a Variant of Uncertain Significance.

NM_001080449.3(DNA2):c.674T>C (p.Met225Thr)

Gene: DNA2 (DNA replication helicase/nuclease 2; minus strand). Cytogenetic location: 10q21.3.
Variant type: single nucleotide variant.
Coding change: c.674T>C on transcript NM_001080449.3 (MANE Select); coding-DNA position 674, T replaced by C.
Protein change: p.Met225Thr; replaces methionine 225 with threonine.
Molecular consequence: missense variant. On other transcripts: non-coding transcript variant (1).
Genome position (GRCh38, 1-based): chr10:68,459,149, A>G on the plus strand (T>C on the coding strand, the complement: DNA2 is on the minus strand). VCF-style: chr10-68459149-A-G. GRCh37 (hg19) VCF-style: chr10-70218906-A-G.
Other names: short protein forms M225T.
Identifiers: ClinVar variation 4778392 (VCV004778392.1).